The following is an entry in ClinVar:

ClinVar aggregate classification (germline): Conflicting classifications of pathogenicity. Review status: criteria provided, conflicting classifications (1 of 4 stars). 4 submissions from 4 submitters: Uncertain significance (1); Likely benign (2). 1 of the submissions does not count toward it. Last evaluated 2025-11-10.

Conditions:
Hereditary cancer-predisposing syndrome. Also called: Hereditary Cancer Syndrome; Hereditary neoplastic syndrome; Neoplastic Syndromes, Hereditary; Tumor predisposition. Identifiers: Orphanet 140162, MedGen C0027672, MeSH D009386, MONDO:0015356.
Bloom syndrome (BLM). Also called: Bloom-Torre-Machacek syndrome. Identifiers: Orphanet 125, MedGen C0005859, MONDO:0008876, OMIM 210900.

Allele frequency attached by ClinVar (database versions not stated): TOPMed below 0.00001; gnomAD 0.00001; gnomAD exomes 0.00001 and 0.00002; ExAC 0.00002.
gnomAD v4.1: 14 of 1,613,040 alleles (0.00087%); highest among the groups gnomAD compares: Non-Finnish European, 0.00051%; no homozygotes.

Submissions (4):

Labcorp Genetics (formerly Invitae), Labcorp
Classification: Likely benign for Bloom syndrome. Last evaluated: 2025-11-10. Review status: criteria provided, single submitter. Criteria: Invitae Variant Classification Sherloc (09022015). Collection method: clinical testing. Allele origin: germline.

Sema4
Classification: Uncertain significance for Hereditary cancer-predisposing syndrome. Last evaluated: 2021-04-23. Review status: criteria provided, single submitter. Criteria: Sema4 Curation Guidelines. Collection method: curation. Allele origin: germline.
Comment: The BLM c.918A>G (p.E306=) variant has not been reported in the literature to our knowledge. It was observed in 5/10078 chromosomes of the Ashkenazi Jewish subpopulation, with 0 homozygotes, in the large and broad cohorts of the Genome Aggregation Database. The variant has been reported in ClinVar (Variation ID 454168). In silico tools suggest the variant may potentially have an impact on splicing, though these predictions have not been confirmed by functional studies. The evidence is insufficient to meet ACMG/AMP criteria for classifying the variant as benign or pathogenic. Thus, the clinical significance of this variant is currently uncertain.

Ambry Genetics
Classification: Likely benign for Hereditary cancer-predisposing syndrome. Last evaluated: 2020-09-21. Review status: criteria provided, single submitter. Criteria: Ambry Variant Classification Scheme 2023. Collection method: clinical testing. Allele origin: germline.

Natera, Inc.
Classification: Likely benign for Bloom syndrome. Last evaluated: 2020-09-16. Review status: no assertion criteria provided. Collection method: clinical testing. Allele origin: germline. Not counted in ClinVar's aggregate classification.

NM_000057.4(BLM):c.918A>G (p.Glu306=)

Gene: BLM (BLM RecQ like helicase; plus strand). Cytogenetic location: 15q26.1.
Variant type: single nucleotide variant.
Coding change: c.918A>G on transcript NM_000057.4 (MANE Select); coding-DNA position 918, A replaced by G.
Protein change: p.Glu306=; no amino-acid change (glutamic acid 306 retained).
Molecular consequence: synonymous variant. On other transcripts: 5 prime UTR variant (1).
Genome position (GRCh38, 1-based): chr15:90,751,905, A>G. VCF-style: chr15-90751905-A-G. GRCh37 (hg19) VCF-style: chr15-91295135-A-G.
Other names: c.918A>G, p.Glu306= (NM_001287246.2, NM_001287247.2); c.-374A>G (NM_001287248.2); c.918A>G (NM_000057.2).
Identifiers: ClinVar variation 454168 (VCV000454168.16), dbSNP rs760806762, ClinGen allele CA7738389.